The following is an entry in ClinVar:

ClinVar aggregate classification (germline): Uncertain significance (1 of 4 stars; one submission).

Allele frequency attached by ClinVar (database versions not stated): TOPMed below 0.00001.
gnomAD v4.1: 1 of 1,573,596 alleles (0.000064%); highest among the groups gnomAD compares: Non-Finnish European, 0.000086%; no homozygotes.

Submission:

Labcorp Genetics (formerly Invitae), Labcorp
Classification: Uncertain significance. Last evaluated: 2022-11-15. Review status: criteria provided, single submitter. Criteria: Invitae Variant Classification Sherloc (09022015). Collection method: clinical testing. Allele origin: germline.
Comment: In summary, the available evidence is currently insufficient to determine the role of this variant in disease. Therefore, it has been classified as a Variant of Uncertain Significance. Algorithms developed to predict the effect of missense changes on protein structure and function output the following: SIFT: "Tolerated"; PolyPhen-2: "Benign"; Align-GVGD: "Class C0". The tryptophan amino acid residue is found in multiple mammalian species, which suggests that this missense change does not adversely affect protein function. ClinVar contains an entry for this variant (Variation ID: 1403509). This variant has not been reported in the literature in individuals affected with PDHX-related conditions. This variant is not present in population databases (gnomAD no frequency). This sequence change replaces arginine, which is basic and polar, with tryptophan, which is neutral and slightly polar, at codon 53 of the PDHX protein (p.Arg53Trp).

NM_003477.3(PDHX):c.157C>T (p.Arg53Trp)

Genes: PDHX (pyruvate dehydrogenase complex component X; plus strand), LOC130005549 (ATAC-STARR-seq lymphoblastoid active region 4608; plus strand). Cytogenetic location: 11p13.
Variant type: single nucleotide variant.
Coding change: c.157C>T on transcript NM_003477.3 (MANE Select); coding-DNA position 157, C replaced by T.
Protein change: p.Arg53Trp; replaces arginine 53 with tryptophan.
Molecular consequence: missense variant. On other transcripts: intron variant (1).
Genome position (GRCh38, 1-based): chr11:34,916,812, C>T. VCF-style: chr11-34916812-C-T. GRCh37 (hg19) VCF-style: chr11-34938359-C-T.
Other names: c.157C>T, p.Arg53Trp (NM_001166158.2); c.-21+326C>T (NM_001135024.2); short protein forms R53W.
Identifiers: ClinVar variation 1403509 (VCV001403509.6), dbSNP rs1163757788, ClinGen allele CA380124071.